The following is an entry in ClinVar:

NM_001330700.2(TOP2B):c.754C>T (p.Leu252Phe)

Gene: TOP2B (DNA topoisomerase II beta; minus strand). Cytogenetic location: 3p24.2.
Variant type: single nucleotide variant.
Coding change: c.754C>T on transcript NM_001330700.2 (MANE Select); coding-DNA position 754, C replaced by T.
Protein change: p.Leu252Phe; replaces leucine 252 with phenylalanine.
Molecular consequence: missense variant.
Genome position (GRCh38, 1-based): chr3:25,636,034, G>A on the plus strand (C>T on the coding strand, the complement: TOP2B is on the minus strand). VCF-style: chr3-25636034-G-A. GRCh37 (hg19) VCF-style: chr3-25677525-G-A.
Other names: c.739C>T, p.Leu247Phe (NM_001068.3); short protein forms L247F, L252F.
Identifiers: ClinVar variation 2722558 (VCV002722558.3), dbSNP rs2470366511, ClinGen allele CA351912079.

ClinVar aggregate classification (germline): Uncertain significance (1 of 4 stars; one submission).

Submission:

Labcorp Genetics (formerly Invitae), Labcorp
Classification: Uncertain significance. Last evaluated: 2025-04-07. Review status: criteria provided, single submitter. Criteria: Invitae Variant Classification Sherloc (09022015). Collection method: clinical testing. Allele origin: germline.
Comment: This sequence change replaces leucine, which is neutral and non-polar, with phenylalanine, which is neutral and non-polar, at codon 247 of the TOP2B protein (p.Leu247Phe). This variant is not present in population databases (gnomAD no frequency). This variant has not been reported in the literature in individuals affected with TOP2B-related conditions. ClinVar contains an entry for this variant (Variation ID: 2722558). An algorithm developed to predict the effect of missense changes on protein structure and function (PolyPhen-2) suggests that this variant is likely to be disruptive. In summary, the available evidence is currently insufficient to determine the role of this variant in disease. Therefore, it has been classified as a Variant of Uncertain Significance.